The following is an entry in ClinVar:

ClinVar aggregate classification (germline): Conflicting classifications of pathogenicity. Review status: criteria provided, conflicting classifications (1 of 4 stars). 3 submissions from 3 submitters: Uncertain significance (2); Likely benign (1). Last evaluated 2026-08-07.

Conditions:
Hereditary nonpolyposis colorectal neoplasms. Identifiers: MedGen C0009405, MeSH D003123.
Hereditary cancer-predisposing syndrome. Also called: Neoplastic Syndromes, Hereditary; Hereditary Cancer Syndrome; Hereditary neoplastic syndrome; Tumor predisposition. Identifiers: Orphanet 140162, MedGen C0027672, MeSH D009386, MONDO:0015356.

gnomAD v4.1: 2 of 1,614,136 alleles (0.00012%); highest among the groups gnomAD compares: Non-Finnish European, 0.00017%; no homozygotes.

Submissions (3):

Ambry Genetics
Classification: Likely benign for Hereditary cancer-predisposing syndrome. Last evaluated: 2026-08-07. Review status: criteria provided, single submitter. Criteria: Ambry Variant Classification Scheme 2023. Collection method: clinical testing. Allele origin: germline.

Labcorp Genetics (formerly Invitae), Labcorp
Classification: Uncertain significance for Hereditary nonpolyposis colorectal neoplasms. Last evaluated: 2023-10-11. Review status: criteria provided, single submitter. Criteria: Invitae Variant Classification Sherloc (09022015). Collection method: clinical testing. Allele origin: germline.
Comment: This sequence change replaces valine, which is neutral and non-polar, with leucine, which is neutral and non-polar, at codon 415 of the PMS2 protein (p.Val415Leu). This variant is not present in population databases (gnomAD no frequency). This variant has not been reported in the literature in individuals affected with PMS2-related conditions. ClinVar contains an entry for this variant (Variation ID: 631422). Advanced modeling of protein sequence and biophysical properties (such as structural, functional, and spatial information, amino acid conservation, physicochemical variation, residue mobility, and thermodynamic stability) performed at Invitae indicates that this missense variant is not expected to disrupt PMS2 protein function. In summary, the available evidence is currently insufficient to determine the role of this variant in disease. Therefore, it has been classified as a Variant of Uncertain Significance.

Color Diagnostics, LLC DBA Color Health
Classification: Uncertain significance for Hereditary cancer-predisposing syndrome. Last evaluated: 2019-04-09. Review status: criteria provided, single submitter. Criteria: ACMG Guidelines, 2015. Collection method: clinical testing. Allele origin: germline.

NM_000535.7(PMS2):c.1243G>C (p.Val415Leu)

Gene: PMS2 (PMS1 homolog 2, mismatch repair system component; minus strand). Cytogenetic location: 7p22.1.
Variant type: single nucleotide variant.
Coding change: c.1243G>C on transcript NM_000535.7 (MANE Select); coding-DNA position 1243, G replaced by C.
Protein change: p.Val415Leu; replaces valine 415 with leucine.
Molecular consequence: missense variant. On other transcripts: non-coding transcript variant (1).
Genome position (GRCh38, 1-based): chr7:5,987,522, C>G on the plus strand (G>C on the coding strand, the complement: PMS2 is on the minus strand). VCF-style: chr7-5987522-C-G. GRCh37 (hg19) VCF-style: chr7-6027153-C-G.
Other names: c.838G>C, p.Val280Leu (NM_001322003.2, NM_001322004.2, NM_001322005.2 and 1 more transcripts); c.1087G>C, p.Val363Leu (NM_001322006.2); c.925G>C, p.Val309Leu (NM_001322007.2, NM_001322008.2); c.682G>C, p.Val228Leu (NM_001322010.2); c.310G>C, p.Val104Leu (NM_001322011.2, NM_001322012.2); c.670G>C, p.Val224Leu (NM_001322013.2); c.1243G>C, p.Val415Leu (NM_001322014.2); c.934G>C, p.Val312Leu (NM_001322015.2); short protein forms V415L, V312L, V363L, V104L, V224L, V228L, V280L, V309L.
Identifiers: ClinVar variation 631422 (VCV000631422.16), dbSNP rs138387687, ClinGen allele CA366742492.